The following is an entry in ClinVar:

ClinVar aggregate classification (germline): Uncertain significance. Review status: criteria provided, multiple submitters, no conflicts (2 of 4 stars). 2 submissions from 2 submitters: Uncertain significance (2). Last evaluated 2024-10-22.

Allele frequency attached by ClinVar (database versions not stated): gnomAD exomes 0.00002; ExAC 0.00003; gnomAD 0.00004 and 0.00006; TOPMed 0.00006; ESP Exome Variant Server 0.00008.
gnomAD v4.1: 41 of 1,613,358 alleles (0.0025%); highest among the groups gnomAD compares: East Asian, 0.025%; no homozygotes.

Submissions (2):

Labcorp Genetics (formerly Invitae), Labcorp
Classification: Uncertain significance. Last evaluated: 2024-10-22. Review status: criteria provided, single submitter. Criteria: Invitae Variant Classification Sherloc (09022015). Collection method: clinical testing. Allele origin: germline.
Comment: This sequence change replaces proline, which is neutral and non-polar, with leucine, which is neutral and non-polar, at codon 1055 of the KIAA1549 protein (p.Pro1055Leu). This variant is present in population databases (rs368584498, gnomAD 0.01%). This variant has not been reported in the literature in individuals affected with KIAA1549-related conditions. ClinVar contains an entry for this variant (Variation ID: 1019716). An algorithm developed to predict the effect of missense changes on protein structure and function (PolyPhen-2) suggests that this variant is likely to be disruptive. In summary, the available evidence is currently insufficient to determine the role of this variant in disease. Therefore, it has been classified as a Variant of Uncertain Significance.

Blueprint Genetics
Classification: Uncertain significance. Last evaluated: 2023-07-10. Review status: criteria provided, single submitter. Criteria: ACMG Guidelines, 2015. Collection method: clinical testing. Allele origin: germline.

NM_001164665.2(KIAA1549):c.3164C>T (p.Pro1055Leu)

Gene: KIAA1549 (KIAA1549; minus strand). Cytogenetic location: 7q34.
Variant type: single nucleotide variant.
Coding change: c.3164C>T on transcript NM_001164665.2 (MANE Select); coding-DNA position 3164, C replaced by T.
Protein change: p.Pro1055Leu; replaces proline 1055 with leucine.
Molecular consequence: missense variant.
Genome position (GRCh38, 1-based): chr7:138,909,103, G>A on the plus strand (C>T on the coding strand, the complement: KIAA1549 is on the minus strand). VCF-style: chr7-138909103-G-A. GRCh37 (hg19) VCF-style: chr7-138593849-G-A.
Other names: c.3164C>T, p.Pro1055Leu (NM_020910.3); short protein forms P1055L.
Identifiers: ClinVar variation 1019716 (VCV001019716.6), dbSNP rs368584498, ClinGen allele CA4506301.